The following is an entry in ClinVar:

NM_182920.2(ADAMTS9):c.2105G>A (p.Arg702Gln)

Gene: ADAMTS9 (ADAM metallopeptidase with thrombospondin type 1 motif 9; minus strand). Cytogenetic location: 3p14.1.
Variant type: single nucleotide variant.
Coding change: c.2105G>A on transcript NM_182920.2 (MANE Select); coding-DNA position 2105, G replaced by A.
Protein change: p.Arg702Gln; replaces arginine 702 with glutamine.
Molecular consequence: missense variant.
Genome position (GRCh38, 1-based): chr3:64,633,542, C>T on the plus strand (G>A on the coding strand, the complement: ADAMTS9 is on the minus strand). VCF-style: chr3-64633542-C-T. GRCh37 (hg19) VCF-style: chr3-64619218-C-T.
Other names: c.2021G>A, p.Arg674Gln (NM_001318781.2); c.2105G>A (NM_182920.1); short protein forms R674Q, R702Q.
Identifiers: ClinVar variation 2056063 (VCV002056063.5), dbSNP rs138430570, ClinGen allele CA2481313.
Genomic context (GRCh38, chr3:64,633,542, plus strand): 5'-CCCTGGACACAGATATCATTTGTGTCCTGGCCACAAGGAGTTCCATCTATCACTCTGTCT[C>T]GAAGCTGATAGTAGGCTGTGTTCCCTGCCACTCTGCAGAACAACTTGCACCGGTCCTTCA-3'
Protein context (NP_891550.1, residues 692-712): VAGNTAYYQL[Arg702Gln]DRVIDGTPCG

ClinVar aggregate classification (germline): Likely benign. Review status: criteria provided, multiple submitters, no conflicts (2 of 4 stars). 2 submissions from 2 submitters: Likely benign (2). Last evaluated 2026-05-12.

Conditions:
ADAMTS9-related disorder. Also called: ADAMTS9-related condition.

Allele frequency attached by ClinVar (database versions not stated): gnomAD exomes 0.00015; ESP Exome Variant Server 0.00031; TOPMed 0.00031; gnomAD 0.00040; ExAC 0.00046; 1000 Genomes Project 30x 0.00078; 1000 Genomes Project 0.00100.
gnomAD v4.1: 310 of 1,614,034 alleles (0.019%); highest among the groups gnomAD compares: South Asian, 0.18%; 3 homozygotes.

Submissions (2):

PreventionGenetics, part of Exact Sciences
Classification: Likely benign for ADAMTS9-related condition. Last evaluated: 2026-05-12. Review status: criteria provided, single submitter. Criteria: ACMG Guidelines, 2015. Collection method: clinical testing. Allele origin: germline.
Comment: This variant is classified as likely benign based on ACMG/AMP sequence variant interpretation guidelines (Richards et al. 2015 PMID: 25741868, with internal and published modifications).

Labcorp Genetics (formerly Invitae), Labcorp
Classification: Likely benign. Last evaluated: 2024-01-10. Review status: criteria provided, single submitter. Criteria: Invitae Variant Classification Sherloc (09022015). Collection method: clinical testing. Allele origin: germline.